The following is an entry in ClinVar:

ClinVar aggregate classification (germline): Pathogenic (1 of 4 stars; one submission).

Conditions:
Early-infantile DEE. Also called: Early infantile epileptic encephalopathy with suppression bursts; Early infantile epileptic encephalopathy; Ohtahara syndrome. Identifiers: Orphanet 1934, MedGen C0393706, MONDO:0800491.

Submission:

Labcorp Genetics (formerly Invitae), Labcorp
Classification: Pathogenic for Early-infantile DEE. Last evaluated: 2025-12-08. Review status: criteria provided, single submitter. Criteria: Invitae Variant Classification Sherloc (09022015). Collection method: clinical testing. Allele origin: germline.
Comment: This sequence change replaces serine, which is neutral and polar, with asparagine, which is neutral and polar, at codon 539 of the KCNQ2 protein (p.Ser539Asn). This variant is not present in population databases (gnomAD no frequency). This missense change has been observed in individual(s) with clinical features of KCNQ2-related conditions (internal data). In at least one individual the variant was observed to be de novo. ClinVar contains an entry for this variant (Variation ID: 1721353). Invitae Evidence Modeling of protein sequence and biophysical properties (such as structural, functional, and spatial information, amino acid conservation, physicochemical variation, residue mobility, and thermodynamic stability) indicates that this missense variant is expected to disrupt KCNQ2 protein function with a positive predictive value of 95%. For these reasons, this variant has been classified as Pathogenic.

NM_172107.4(KCNQ2):c.1616G>A (p.Ser539Asn)

Gene: KCNQ2 (potassium voltage-gated channel subfamily Q member 2; minus strand). Cytogenetic location: 20q13.33.
Variant type: single nucleotide variant.
Coding change: c.1616G>A on transcript NM_172107.4 (MANE Select); coding-DNA position 1616, G replaced by A.
Protein change: p.Ser539Asn; replaces serine 539 with asparagine.
Molecular consequence: missense variant.
Genome position (GRCh38, 1-based): chr20:63,414,103, C>T on the plus strand (G>A on the coding strand, the complement: KCNQ2 is on the minus strand). VCF-style: chr20-63414103-C-T. GRCh37 (hg19) VCF-style: chr20-62045456-C-T.
Other names: c.1562G>A, p.Ser521Asn (NM_001382235.1, NM_172106.3); c.1532G>A, p.Ser511Asn (NM_004518.6); c.1523G>A, p.Ser508Asn (NM_172108.5); short protein forms S508N, S511N, S521N, S539N.
Identifiers: ClinVar variation 1721353 (VCV001721353.5), dbSNP rs2516175807, ClinGen allele CA409645180.